The following is an entry in ClinVar:

ClinVar aggregate classification (germline): Uncertain significance (1 of 4 stars; one submission).

Submission:

Labcorp Genetics (formerly Invitae), Labcorp
Classification: Uncertain significance. Last evaluated: 2022-06-30. Review status: criteria provided, single submitter. Criteria: Invitae Variant Classification Sherloc (09022015). Collection method: clinical testing. Allele origin: germline.
Comment: In summary, the available evidence is currently insufficient to determine the role of this variant in disease. Therefore, it has been classified as a Variant of Uncertain Significance. Algorithms developed to predict the effect of sequence changes on RNA splicing suggest that this variant may disrupt the consensus splice site. This variant has not been reported in the literature in individuals affected with TUB-related conditions. This variant is not present in population databases (gnomAD no frequency). This sequence change falls in intron 5 of the TUB gene. It does not directly change the encoded amino acid sequence of the TUB protein.

NM_177972.3(TUB):c.398-10T>A

Genes: RIC3 (RIC3 acetylcholine receptor chaperone; minus strand), TUB (TUB bipartite transcription factor; plus strand). Cytogenetic location: 11p15.4.
Variant type: single nucleotide variant.
Coding change: c.398-10T>A on transcript NM_177972.3 (MANE Select); 10 bases into the intron before coding-DNA position 398, T replaced by A.
Molecular consequence: intron variant.
Genome position (GRCh38, 1-based): chr11:8,095,488, T>A. VCF-style: chr11-8095488-T-A. GRCh37 (hg19) VCF-style: chr11-8117035-T-A.
Other names: c.563-10T>A (NM_003320.5).
Identifiers: ClinVar variation 2012436 (VCV002012436.4), dbSNP rs2539233596, ClinGen allele CA2580084032.